The following is an entry in ClinVar:

NM_000719.7(CACNA1C):c.3718-5T>C

Gene: CACNA1C (calcium voltage-gated channel subunit alpha1 C; plus strand). Cytogenetic location: 12p13.33.
Variant type: single nucleotide variant.
Coding change: c.3718-5T>C on transcript NM_000719.7 (MANE Select); 5 bases into the intron before coding-DNA position 3718, T replaced by C.
Molecular consequence: intron variant.
Genome position (GRCh38, 1-based): chr12:2,611,898, T>C. VCF-style: chr12-2611898-T-C. GRCh37 (hg19) VCF-style: chr12-2721064-T-C.
Other names: c.3718-5T>C (NM_001129839.2, NM_001129836.2, NM_001129841.2 and 15 more transcripts); c.3709-5T>C (NM_001129844.2); c.3778-5T>C (NM_199460.4, NM_001129827.2, NM_001129832.2).
Identifiers: ClinVar variation 1734252 (VCV001734252.6), dbSNP rs1568789814, ClinGen allele CA2012317285.

ClinVar aggregate classification (germline): Conflicting classifications of pathogenicity. Review status: criteria provided, conflicting classifications (1 of 4 stars). 3 submissions from 3 submitters: Uncertain significance (1); Likely benign (2). Last evaluated 2026-08-18.

Conditions:
Long QT syndrome (LQTS). Identifiers: MedGen C0023976, MeSH D008133, MONDO:0002442. Disease mechanism: loss of function. Inheritance: Various modes of inheritance.
Cardiovascular phenotype. Identifiers: MedGen CN230736.

gnomAD v4.1: 1 of 1,588,038 alleles (0.000063%); no homozygotes.

Submissions (3):

Ambry Genetics
Classification: Uncertain significance for Cardiovascular phenotype. Last evaluated: 2026-08-18. Review status: criteria provided, single submitter. Criteria: Ambry Variant Classification Scheme 2023. Collection method: clinical testing. Allele origin: germline.
Comment: The c.3718-5T>C intronic variant results from a T to C substitution 5 nucleotides upstream from coding exon 29 in the CACNA1C gene. This nucleotide position is not well conserved in available vertebrate species. In silico splice site analysis predicts that this alteration will not have any significant effect on splicing. Based on the available evidence, the clinical significance of this variant remains unclear.

Women's Health and Genetics/Laboratory Corporation of America, LabCorp
Classification: Likely benign. Last evaluated: 2025-06-16. Review status: criteria provided, single submitter. Criteria: LabCorp Variant Classification Summary - May 2015. Collection method: clinical testing. Allele origin: germline.

Labcorp Genetics (formerly Invitae), Labcorp
Classification: Likely benign for Long QT syndrome. Last evaluated: 2024-11-15. Review status: criteria provided, single submitter. Criteria: Invitae Variant Classification Sherloc (09022015). Collection method: clinical testing. Allele origin: germline.